The following is an entry in ClinVar:

NM_001199397.3(NEK1):c.3751T>C (p.Cys1251Arg)

Gene: NEK1 (NIMA related kinase 1; minus strand). Cytogenetic location: 4q33.
Variant type: single nucleotide variant.
Coding change: c.3751T>C on transcript NM_001199397.3 (MANE Select); coding-DNA position 3751, T replaced by C.
Protein change: p.Cys1251Arg; replaces cysteine 1251 with arginine.
Molecular consequence: missense variant. On other transcripts: non-coding transcript variant (1).
Genome position (GRCh38, 1-based): chr4:169,400,321, A>G on the plus strand (T>C on the coding strand, the complement: NEK1 is on the minus strand). VCF-style: chr4-169400321-A-G. GRCh37 (hg19) VCF-style: chr4-170321472-A-G.
Other names: c.3619T>C, p.Cys1207Arg (NM_001199398.3); c.3460T>C, p.Cys1154Arg (NM_001199399.3); c.3535T>C, p.Cys1179Arg (NM_001199400.3); c.3751T>C, p.Cys1251Arg (NM_001374418.1); c.3667T>C, p.Cys1223Arg (NM_001374419.1, NM_012224.4); c.3616T>C, p.Cys1206Arg (NM_001374420.1); c.3268T>C, p.Cys1090Arg (NM_001374421.1); c.3574T>C, p.Cys1192Arg (NM_001440620.1); and 5 more; short protein forms C1154R, C1164R, C1192R, C1251R, C1148R, C1206R, C1016R, C1223R.
Identifiers: ClinVar variation 4709293 (VCV004709293.1).
Genomic context (GRCh38, chr4:169,400,321, plus strand): 5'-GAATCTTGGCATAAAGATGCTGATGTTCATTTCCCAAAATATTTTGAACTATTTTTGAAC[A>G]AATTTCAATATTTTCATCTTCATCTTCATGAATAGCCTATACCAAATTCCCAAATATAAA-3'
Protein context (NP_001186326.1, residues 1241-1261): HEDEDENIEI[Cys1251Arg]SKIVQNILGN

ClinVar aggregate classification (germline): Uncertain significance (1 of 4 stars; one submission).

Conditions:
Short-rib thoracic dysplasia 6 with or without polydactyly (SRTD6). Also called: Majewski Syndrome; POLYDACTYLY WITH NEONATAL CHONDRODYSTROPHY, TYPE II; SHORT-RIB THORACIC DYSPLASIA 6 WITH POLYDACTYLY; SHORT-RIB THORACIC DYSPLASIA 6 WITHOUT POLYDACTYLY; SHORT RIB-POLYDACTYLY SYNDROME, TYPE IIA. Identifiers: MedGen C0024507, MONDO:0009894, OMIM 263520.

gnomAD v4.1: 2 of 1,536,962 alleles (0.00013%); highest among the groups gnomAD compares: South Asian, 0.0012%; no homozygotes.

Submission:

Labcorp Genetics (formerly Invitae), Labcorp
Classification: Uncertain significance for Short-rib thoracic dysplasia 6 with or without polydactyly. Last evaluated: 2025-10-10. Review status: criteria provided, single submitter. Criteria: Invitae Variant Classification Sherloc (09022015). Collection method: clinical testing. Allele origin: germline.
Comment: This sequence change replaces cysteine, which is neutral and slightly polar, with arginine, which is basic and polar, at codon 1223 of the NEK1 protein (p.Cys1223Arg). This variant is not present in population databases (gnomAD no frequency). This variant has not been reported in the literature in individuals affected with NEK1-related conditions. Invitae Evidence Modeling of protein sequence and biophysical properties (such as structural, functional, and spatial information, amino acid conservation, physicochemical variation, residue mobility, and thermodynamic stability) has been performed for this missense variant. However, the output from this modeling did not meet the statistical confidence thresholds required to predict the impact of this variant on NEK1 protein function. In summary, the available evidence is currently insufficient to determine the role of this variant in disease. Therefore, it has been classified as a Variant of Uncertain Significance.